The following is an entry in ClinVar:

NM_002340.6(LSS):c.1164C>T (p.Asp388=)

Gene: LSS (lanosterol synthase; minus strand). Cytogenetic location: 21q22.3.
Variant type: single nucleotide variant.
Coding change: c.1164C>T on transcript NM_002340.6 (MANE Select); coding-DNA position 1164, C replaced by T.
Protein change: p.Asp388=; no amino-acid change (aspartic acid 388 retained).
Molecular consequence: synonymous variant.
Genome position (GRCh38, 1-based): chr21:46,210,718, G>A on the plus strand (C>T on the coding strand, the complement: LSS is on the minus strand). VCF-style: chr21-46210718-G-A. GRCh37 (hg19) VCF-style: chr21-47630632-G-A.
Other names: c.1164C>T, p.Asp388= (NM_001001438.3); c.1131C>T, p.Asp377= (NM_001145436.2); c.924C>T, p.Asp308= (NM_001145437.2); c.1164C>T (NM_001001438.2).
Identifiers: ClinVar variation 1646891 (VCV001646891.33), dbSNP rs148314455, ClinGen allele CA10075126.

ClinVar aggregate classification (germline): Benign/Likely benign. Review status: criteria provided, multiple submitters, no conflicts (2 of 4 stars). 3 submissions from 3 submitters: Benign (1); Likely benign (2). Last evaluated 2026-07-01.

Conditions:
LSS-related disorder. Also called: LSS-related condition.

Allele frequency attached by ClinVar (database versions not stated): gnomAD exomes 0.00015 and 0.00039; ExAC 0.00055; ESP Exome Variant Server 0.00161; gnomAD 0.00162 and 0.00178; TOPMed 0.00175; 1000 Genomes Project 30x 0.00219; 1000 Genomes Project 0.00220.

Submissions (3):

CeGaT Center for Human Genetics Tuebingen
Classification: Likely benign. Last evaluated: 2026-07-01. Review status: criteria provided, single submitter. Criteria: CeGaT Center For Human Genetics Tuebingen Variant Classification Criteria Version 2. Collection method: clinical testing. Allele origin: germline. Affected: yes. Observed: 2 variant alleles.
Comment: LSS: BP4, BP7

PreventionGenetics, part of Exact Sciences
Classification: Likely benign for LSS-related condition. Last evaluated: 2025-09-24. Review status: criteria provided, single submitter. Criteria: ACMG Guidelines, 2015. Collection method: clinical testing. Allele origin: germline.
Comment: This variant is classified as likely benign based on ACMG/AMP sequence variant interpretation guidelines (Richards et al. 2015 PMID: 25741868, with internal and published modifications).

Labcorp Genetics (formerly Invitae), Labcorp
Classification: Benign. Last evaluated: 2025-09-21. Review status: criteria provided, single submitter. Criteria: Invitae Variant Classification Sherloc (09022015). Collection method: clinical testing. Allele origin: germline.